The following is an entry in ClinVar:

ClinVar aggregate classification (germline): Uncertain significance (1 of 4 stars; one submission).

Conditions:
MHC class I deficiency. Identifiers: Orphanet 34592, MedGen C6024714, MONDO:0011476.

Allele frequency attached by ClinVar (database versions not stated): gnomAD exomes below 0.00001; TOPMed 0.00001; gnomAD 0.00001.
gnomAD v4.1: 16 of 1,613,156 alleles (0.00099%); highest among the groups gnomAD compares: Admixed American, 0.005%; no homozygotes.

Submission:

Labcorp Genetics (formerly Invitae), Labcorp
Classification: Uncertain significance for MHC class I deficiency 1. Last evaluated: 2024-02-19. Review status: criteria provided, single submitter. Criteria: Invitae Variant Classification Sherloc (09022015). Collection method: clinical testing. Allele origin: germline.
Comment: This sequence change replaces glycine, which is neutral and non-polar, with aspartic acid, which is acidic and polar, at codon 334 of the TAPBP protein (p.Gly334Asp). This variant is present in population databases (no rsID available, gnomAD 0.006%). This variant has not been reported in the literature in individuals affected with TAPBP-related conditions. ClinVar contains an entry for this variant (Variation ID: 665431). An algorithm developed to predict the effect of missense changes on protein structure and function (PolyPhen-2) suggests that this variant is likely to be disruptive. In summary, the available evidence is currently insufficient to determine the role of this variant in disease. Therefore, it has been classified as a Variant of Uncertain Significance.

NM_003190.5(TAPBP):c.1001G>A (p.Gly334Asp)

Gene: TAPBP (TAP binding protein; minus strand). Cytogenetic location: 6p21.32.
Variant type: single nucleotide variant.
Coding change: c.1001G>A on transcript NM_003190.5 (MANE Select); coding-DNA position 1001, G replaced by A.
Protein change: p.Gly334Asp; replaces glycine 334 with aspartic acid.
Molecular consequence: missense variant.
Genome position (GRCh38, 1-based): chr6:33,304,506, C>T on the plus strand (G>A on the coding strand, the complement: TAPBP is on the minus strand). VCF-style: chr6-33304506-C-T. GRCh37 (hg19) VCF-style: chr6-33272283-C-T.
Other names: c.1001G>A, p.Gly334Asp (NM_172208.3); c.740G>A, p.Gly247Asp (NM_172209.3); short protein forms G334D, G247D.
Identifiers: ClinVar variation 665431 (VCV000665431.8), dbSNP rs1022611517, ClinGen allele CA137089042.